The following is an entry in ClinVar:

NM_130837.3(OPA1):c.2639G>C (p.Gly880Ala)

Gene: OPA1 (OPA1 mitochondrial dynamin like GTPase; plus strand). Cytogenetic location: 3q29.
Variant type: single nucleotide variant.
Coding change: c.2639G>C on transcript NM_130837.3 (MANE Select); coding-DNA position 2639, G replaced by C.
Protein change: p.Gly880Ala; replaces glycine 880 with alanine.
Molecular consequence: missense variant.
Genome position (GRCh38, 1-based): chr3:193,662,940, G>C. VCF-style: chr3-193662940-G-C. GRCh37 (hg19) VCF-style: chr3-193380729-G-C.
Other names: c.2105G>C, p.Gly702Ala (NM_001354663.2); c.2102G>C, p.Gly701Ala (NM_001354664.2); c.2474G>C, p.Gly825Ala (NM_015560.3); c.2366G>C, p.Gly789Ala (NM_130831.3); c.2420G>C, p.Gly807Ala (NM_130832.3); c.2477G>C, p.Gly826Ala (NM_130833.3); c.2528G>C, p.Gly843Ala (NM_130834.3); c.2531G>C, p.Gly844Ala (NM_130835.3); and 1 more; short protein forms G702A, G789A, G862A, G807A, G880A, G843A, G844A, G701A.
Identifiers: ClinVar variation 2705430 (VCV002705430.3), dbSNP rs2475135266, ClinGen allele CA355793269.

ClinVar aggregate classification (germline): Uncertain significance (1 of 4 stars; one submission).

Submission:

Labcorp Genetics (formerly Invitae), Labcorp
Classification: Uncertain significance. Last evaluated: 2023-12-25. Review status: criteria provided, single submitter. Criteria: Invitae Variant Classification Sherloc (09022015). Collection method: clinical testing. Allele origin: germline.
Comment: This sequence change replaces glycine, which is neutral and non-polar, with alanine, which is neutral and non-polar, at codon 825 of the OPA1 protein (p.Gly825Ala). This variant is not present in population databases (gnomAD no frequency). This variant has not been reported in the literature in individuals affected with OPA1-related conditions. Advanced modeling of protein sequence and biophysical properties (such as structural, functional, and spatial information, amino acid conservation, physicochemical variation, residue mobility, and thermodynamic stability) performed at Invitae indicates that this missense variant is not expected to disrupt OPA1 protein function with a negative predictive value of 80%. In summary, the available evidence is currently insufficient to determine the role of this variant in disease. Therefore, it has been classified as a Variant of Uncertain Significance.